The following is an entry in ClinVar:

ClinVar aggregate classification (germline): Uncertain significance (1 of 4 stars; one submission).

gnomAD v4.1: 1 of 1,210,698 alleles (0.000083%); highest among the groups gnomAD compares: South Asian, 0.0018%; no homozygotes.

Submission:

CeGaT Center for Human Genetics Tuebingen
Classification: Uncertain significance. Last evaluated: 2025-09-01. Review status: criteria provided, single submitter. Criteria: CeGaT Center For Human Genetics Tuebingen Variant Classification Criteria Version 2. Collection method: clinical testing. Allele origin: germline. Affected: yes. Observed: 1 variant allele.
Comment: HUWE1: PM2

NM_031407.7(HUWE1):c.4406T>C (p.Ile1469Thr)

Gene: HUWE1 (HECT, UBA and WWE domain containing E3 ubiquitin protein ligase 1; minus strand). Cytogenetic location: Xp11.22.
Variant type: single nucleotide variant.
Coding change: c.4406T>C on transcript NM_031407.7 (MANE Select); coding-DNA position 4406, T replaced by C.
Protein change: p.Ile1469Thr; replaces isoleucine 1469 with threonine.
Molecular consequence: missense variant.
Genome position (GRCh38, 1-based): chrX:53,589,602, A>G on the plus strand (T>C on the coding strand, the complement: HUWE1 is on the minus strand). VCF-style: chrX-53589602-A-G. GRCh37 (hg19) VCF-style: chrX-53616562-A-G.
Other names: c.4406T>C, p.Ile1469Thr (NM_001441048.1, NM_001441049.1, NM_001441051.1 and 6 more transcripts); c.4427T>C, p.Ile1476Thr (NM_001441050.1, NM_001441055.1); short protein forms I1469T, I1476T.
Identifiers: ClinVar variation 4281420 (VCV004281420.7).